The following is an entry in ClinVar:

NM_015158.5(KANK1):c.3022A>C (p.Ser1008Arg)

Gene: KANK1 (KN motif and ankyrin repeat domains 1; plus strand). Cytogenetic location: 9p24.3.
Variant type: single nucleotide variant.
Coding change: c.3022A>C on transcript NM_015158.5 (MANE Select); coding-DNA position 3022, A replaced by C.
Protein change: p.Ser1008Arg; replaces serine 1008 with arginine.
Molecular consequence: missense variant. On other transcripts: intron variant (6).
Genome position (GRCh38, 1-based): chr9:732,394, A>C. VCF-style: chr9-732394-A-C. GRCh37 (hg19) VCF-style: chr9-732394-A-C.
Other names: c.3022A>C, p.Ser1008Arg (NM_001256876.3, NM_001256877.3, NM_001354334.2 and 1 more transcripts); c.2968A>C, p.Ser990Arg (NM_001354332.2); c.2548A>C, p.Ser850Arg (NM_001354333.2, NM_001354335.2, NM_001354337.2 and 2 more transcripts); c.2494A>C, p.Ser832Arg (NM_001354338.2, NM_001354340.2, NM_001354344.2); c.3005+1128A>C (NM_001354331.2); c.2477+1128A>C (NM_001354336.2, NM_001438411.1); c.2531+1128A>C (NM_001354339.2, NM_001354343.2, NM_001354342.2); short protein forms S1008R, S832R, S850R, S990R.
Identifiers: ClinVar variation 4743783 (VCV004743783.1).

ClinVar aggregate classification (germline): Uncertain significance (1 of 4 stars; one submission).

gnomAD v4.1: 3 of 1,611,804 alleles (0.00019%); highest among the groups gnomAD compares: Non-Finnish European, 0.00025%; no homozygotes.

Submission:

Labcorp Genetics (formerly Invitae), Labcorp
Classification: Uncertain significance. Last evaluated: 2025-08-10. Review status: criteria provided, single submitter. Criteria: Invitae Variant Classification Sherloc (09022015). Collection method: clinical testing. Allele origin: germline.
Comment: This sequence change replaces serine, which is neutral and polar, with arginine, which is basic and polar, at codon 1008 of the KANK1 protein (p.Ser1008Arg). This variant is not present in population databases (gnomAD no frequency). This variant has not been reported in the literature in individuals affected with KANK1-related conditions. Invitae Evidence Modeling of protein sequence and biophysical properties (such as structural, functional, and spatial information, amino acid conservation, physicochemical variation, residue mobility, and thermodynamic stability) indicates that this missense variant is expected to disrupt KANK1 protein function with a positive predictive value of 80%. In summary, the available evidence is currently insufficient to determine the role of this variant in disease. Therefore, it has been classified as a Variant of Uncertain Significance.